The following is an entry in ClinVar:

NM_002234.4(KCNA5):c.1082A>G (p.Asp361Gly)

Gene: KCNA5 (potassium voltage-gated channel subfamily A member 5; plus strand). Cytogenetic location: 12p13.32.
Variant type: single nucleotide variant.
Coding change: c.1082A>G on transcript NM_002234.4 (MANE Select); coding-DNA position 1082, A replaced by G.
Protein change: p.Asp361Gly; replaces aspartic acid 361 with glycine.
Molecular consequence: missense variant.
Genome position (GRCh38, 1-based): chr12:5,045,229, A>G. VCF-style: chr12-5045229-A-G. GRCh37 (hg19) VCF-style: chr12-5154395-A-G.
Other names: short protein forms D361G.
Identifiers: ClinVar variation 4774943 (VCV004774943.1).

ClinVar aggregate classification (germline): Uncertain significance (1 of 4 stars; one submission).

Conditions:
Atrial fibrillation, familial, 7 (ATFB7). Identifiers: MedGen C2677106, MONDO:0012828, OMIM 612240.

Submission:

Labcorp Genetics (formerly Invitae), Labcorp
Classification: Uncertain significance for Atrial fibrillation, familial, 7. Last evaluated: 2025-04-30. Review status: criteria provided, single submitter. Criteria: Invitae Variant Classification Sherloc (09022015). Collection method: clinical testing. Allele origin: germline.
Comment: This sequence change replaces aspartic acid, which is acidic and polar, with glycine, which is neutral and non-polar, at codon 361 of the KCNA5 protein (p.Asp361Gly). This variant is not present in population databases (gnomAD no frequency). This variant has not been reported in the literature in individuals affected with KCNA5-related conditions. Invitae Evidence Modeling of protein sequence and biophysical properties (such as structural, functional, and spatial information, amino acid conservation, physicochemical variation, residue mobility, and thermodynamic stability) indicates that this missense variant is expected to disrupt KCNA5 protein function with a positive predictive value of 80%. In summary, the available evidence is currently insufficient to determine the role of this variant in disease. Therefore, it has been classified as a Variant of Uncertain Significance.